The following is an entry in ClinVar:

ClinVar aggregate classification (germline): Uncertain significance. Review status: criteria provided, multiple submitters, no conflicts (2 of 4 stars). 4 submissions from 4 submitters: Uncertain significance (4). Last evaluated 2025-11-23.

Conditions:
Long QT syndrome (LQTS). Identifiers: MedGen C0023976, MeSH D008133, MONDO:0002442. Disease mechanism: loss of function. Inheritance: Various modes of inheritance.

Allele frequency attached by ClinVar (database versions not stated): ExAC 0.00002; gnomAD exomes 0.00002.

Submissions (5):

Labcorp Genetics (formerly Invitae), Labcorp
Classification: Uncertain significance for Long QT syndrome. Last evaluated: 2025-11-23. Review status: criteria provided, single submitter. Criteria: Invitae Variant Classification Sherloc (09022015). Collection method: clinical testing. Allele origin: germline.
Comment: This sequence change replaces serine, which is neutral and polar, with proline, which is neutral and non-polar, at codon 74 of the KCNE1 protein (p.Ser74Pro). This variant is present in population databases (rs199473357, gnomAD 0.01%). This missense change has been observed in individual(s) with long QT syndrome (internal data). ClinVar contains an entry for this variant (Variation ID: 1120103). Invitae Evidence Modeling of protein sequence and biophysical properties (such as structural, functional, and spatial information, amino acid conservation, physicochemical variation, residue mobility, and thermodynamic stability) has been performed for this missense variant. However, the output from this modeling did not meet the statistical confidence thresholds required to predict the impact of this variant on KCNE1 protein function. This variant disrupts the p.Ser74 amino acid residue in KCNE1. Other variant(s) that disrupt this residue have been determined to be pathogenic (PMID: 9354802, 9834138, 19008479, 19907016, 31941373; internal data). This suggests that this residue is clinically significant, and that variants that disrupt this residue are likely to be disease-causing. In summary, the available evidence is currently insufficient to determine the role of this variant in disease. Therefore, it has been classified as a Variant of Uncertain Significance.

GeneDx
Classification: Uncertain significance. Last evaluated: 2024-04-30. Review status: criteria provided, single submitter. Criteria: GeneDx Variant Classification Process June 2021. Collection method: clinical testing. Allele origin: germline. Affected: yes.
Comment: Has not been previously published as pathogenic or benign to our knowledge; Not observed at significant frequency in large population cohorts (gnomAD); In silico analysis supports that this missense variant has a deleterious effect on protein structure/function

Laboratory for Molecular Medicine, Mass General Brigham Personalized Medicine
Classification: Uncertain significance. Last evaluated: 2020-06-10. Review status: criteria provided, single submitter. Criteria: LMM Criteria. Collection method: clinical testing. Allele origin: germline. Observed: 1 variant allele.
Comment: The p.Ser74Pro in KCNE1 has not been previously reported in individuals with Jervell and Lange-Nielsen syndrome or long-QT syndrome, but has been identified in 0.01% (5/34592) of Latino chromosomes by gnomAD. Another variant of uncertain significance p.Ser74Leu has been reported (Splawski 1997 PMID: 9354802, Harmer 2010 PMID: 19907016, LMM Data). Computational prediction tools and conservation analyses do not provide strong support for or against an impact to the protein. In summary, the clinical significance of this variant is uncertain. ACMG/AMP Criteria applied: PM2_Supporting.

Mayo Clinic Laboratories, Mayo Clinic
Classification: Uncertain significance. Last evaluated: 2019-07-14. Review status: criteria provided, single submitter. Criteria: ACMG Guidelines, 2015. Collection method: clinical testing. Allele origin: germline. Observed: 1 variant allele.

Roden Lab, Vanderbilt University Medical Center
No classification provided (evidence only). Condition: Long QT syndrome 5. Review status: no classification provided. Collection method: in vitro. Allele origin: not applicable. Functional consequence: Effect on ion channel function. Not counted in ClinVar's aggregate classification.
ClinVar note: "not provided" was previously submitted as the classification for the variant. However, the classification appeared to be based only on an observation of functional data so it was converted to no classification on 2025-07-30.

Literature cited by the submitters: PubMed 9354802 (cited by Labcorp Genetics (formerly Invitae), Labcorp); PubMed 9834138 (cited by Labcorp Genetics (formerly Invitae), Labcorp); PubMed 19008479 (cited by Labcorp Genetics (formerly Invitae), Labcorp); PubMed 19907016 (cited by Labcorp Genetics (formerly Invitae), Labcorp); PubMed 31941373 (cited by Labcorp Genetics (formerly Invitae), Labcorp).

NM_000219.6(KCNE1):c.220T>C (p.Ser74Pro)

Gene: KCNE1 (potassium voltage-gated channel subfamily E regulatory subunit 1; minus strand). Cytogenetic location: 21q22.12.
Variant type: single nucleotide variant.
Coding change: c.220T>C on transcript NM_000219.6 (MANE Select); coding-DNA position 220, T replaced by C.
Protein change: p.Ser74Pro; replaces serine 74 with proline.
Molecular consequence: missense variant.
Genome position (GRCh38, 1-based): chr21:34,449,415, A>G on the plus strand (T>C on the coding strand, the complement: KCNE1 is on the minus strand). VCF-style: chr21-34449415-A-G. GRCh37 (hg19) VCF-style: chr21-35821713-A-G.
Other names: c.220T>C, p.Ser74Pro (NM_001127668.4, NM_001127669.4, NM_001127670.4 and 4 more transcripts); short protein forms S74P.
Identifiers: ClinVar variation 1120103 (VCV001120103.19), dbSNP rs199473357, ClinGen allele CA320425289.